The following is an entry in ClinVar:

NM_001572.5(IRF7):c.1132T>C (p.Trp378Arg)

Gene: IRF7 (interferon regulatory factor 7; minus strand). Cytogenetic location: 11p15.5.
Variant type: single nucleotide variant.
Coding change: c.1132T>C on transcript NM_001572.5 (MANE Select); coding-DNA position 1132, T replaced by C.
Protein change: p.Trp378Arg; replaces tryptophan 378 with arginine.
Molecular consequence: missense variant.
Genome position (GRCh38, 1-based): chr11:613,311, A>G on the plus strand (T>C on the coding strand, the complement: IRF7 is on the minus strand). VCF-style: chr11-613311-A-G. GRCh37 (hg19) VCF-style: chr11-613311-A-G.
Other names: c.1045T>C, p.Trp349Arg (NM_004029.4); c.1171T>C, p.Trp391Arg (NM_004031.4); short protein forms W349R, W378R, W391R.
Identifiers: ClinVar variation 1907856 (VCV001907856.5), dbSNP rs1267623449, ClinGen allele CA378978826.

ClinVar aggregate classification (germline): Uncertain significance (1 of 4 stars; one submission).

Conditions:
Immunodeficiency 39 (IMD39). Identifiers: Orphanet 574918, MedGen C4225358, MONDO:0014597, OMIM 616345.

Allele frequency attached by ClinVar (database versions not stated): gnomAD exomes below 0.00001; TOPMed 0.00001.
gnomAD v4.1: 2 of 1,611,672 alleles (0.00012%); highest among the groups gnomAD compares: Admixed American, 0.0017%; no homozygotes.

Submission:

Labcorp Genetics (formerly Invitae), Labcorp
Classification: Uncertain significance for Immunodeficiency 39. Last evaluated: 2022-07-13. Review status: criteria provided, single submitter. Criteria: Invitae Variant Classification Sherloc (09022015). Collection method: clinical testing. Allele origin: germline.
Comment: This sequence change replaces tryptophan, which is neutral and slightly polar, with arginine, which is basic and polar, at codon 391 of the IRF7 protein (p.Trp391Arg). This variant is present in population databases (no rsID available, gnomAD 0.003%). This variant has not been reported in the literature in individuals affected with IRF7-related conditions. Algorithms developed to predict the effect of missense changes on protein structure and function are either unavailable or do not agree on the potential impact of this missense change (SIFT: "Deleterious"; PolyPhen-2: "Probably Damaging"; Align-GVGD: "Class C0"). In summary, the available evidence is currently insufficient to determine the role of this variant in disease. Therefore, it has been classified as a Variant of Uncertain Significance.